The following is an entry in ClinVar:

NM_005334.3(HCFC1):c.5201A>G (p.Asn1734Ser)

Gene: HCFC1 (host cell factor C1; minus strand). Cytogenetic location: Xq28.
Variant type: single nucleotide variant.
Coding change: c.5201A>G on transcript NM_005334.3 (MANE Select); coding-DNA position 5201, A replaced by G.
Protein change: p.Asn1734Ser; replaces asparagine 1734 with serine.
Molecular consequence: missense variant.
Genome position (GRCh38, 1-based): chrX:153,951,900, T>C on the plus strand (A>G on the coding strand, the complement: HCFC1 is on the minus strand). VCF-style: chrX-153951900-T-C. GRCh37 (hg19) VCF-style: chrX-153217351-T-C.
Other names: c.5336A>G, p.Asn1779Ser (NM_001410705.1); short protein forms N1734S, N1779S.
Identifiers: ClinVar variation 2156958 (VCV002156958.23), dbSNP rs6643652, ClinGen allele CA10556853.
Genomic context (GRCh38, chrX:153,951,900, plus strand): 5'-CTCTCAGTGGCCGTTGAGGGCAGCAGCGCCACAGTGCTGGGGACCGTGCCGGCCAGCTCA[T>C]TGAGGCAATTGCTCTCAATGGCTGGGTCGTTGAGACTGTCGGCAGGGGCCAGGGCCTCAG-3'
Protein context (NP_005325.2, residues 1724-1744): NDPAIESNCL[Asn1734Ser]ELAGTVPSTV

ClinVar aggregate classification (germline): Benign/Likely benign. Review status: criteria provided, multiple submitters, no conflicts (2 of 4 stars). 2 submissions from 2 submitters: Benign (1); Likely benign (1). Last evaluated 2026-02-04.

Conditions:
Methylmalonic acidemia with homocystinuria, type cblX (MAHCX). Also called: INTELLECTUAL DEVELOPMENTAL DISORDER, X-LINKED 3. Identifiers: Orphanet 369962, MedGen C0796208, MONDO:0010657, OMIM 309541.

Allele frequency attached by ClinVar (database versions not stated): gnomAD exomes 0.00002; ExAC 0.00007; ESP Exome Variant Server 0.00010; TOPMed 0.00011; gnomAD 0.00012.

Submissions (2):

Labcorp Genetics (formerly Invitae), Labcorp
Classification: Benign for Methylmalonic acidemia with homocystinuria, type cblX. Last evaluated: 2026-02-04. Review status: criteria provided, single submitter. Criteria: Invitae Variant Classification Sherloc (09022015). Collection method: clinical testing. Allele origin: germline.

CeGaT Center for Human Genetics Tuebingen
Classification: Likely benign. Last evaluated: 2024-05-01. Review status: criteria provided, single submitter. Criteria: CeGaT Center For Human Genetics Tuebingen Variant Classification Criteria Version 2. Collection method: clinical testing. Allele origin: germline. Affected: yes. Observed: 1 variant allele.
Comment: HCFC1: BP4, BS2